The following is an entry in ClinVar:

NM_001352754.2(ARMC9):c.154G>A (p.Asp52Asn)

Gene: ARMC9 (armadillo repeat containing 9; plus strand). Cytogenetic location: 2q37.1.
Variant type: single nucleotide variant.
Coding change: c.154G>A on transcript NM_001352754.2 (MANE Select); coding-DNA position 154, G replaced by A.
Protein change: p.Asp52Asn; replaces aspartic acid 52 with asparagine.
Molecular consequence: missense variant. On other transcripts: non-coding transcript variant (1).
Genome position (GRCh38, 1-based): chr2:231,208,229, G>A. VCF-style: chr2-231208229-G-A. GRCh37 (hg19) VCF-style: chr2-232072942-G-A.
Other names: c.154G>A, p.Asp52Asn (NM_001271466.4, NM_001291656.2, NM_001352755.2 and 5 more transcripts); short protein forms D52N.
Identifiers: ClinVar variation 2099512 (VCV002099512.4), dbSNP rs2469584088, ClinGen allele CA350944559.
Genomic context (GRCh38, chr2:231,208,229, plus strand): 5'-TCAAAAGAATGCAAAATAAAAGGAAAACCATTGTGTAAAACAGTAGGCGGATCTTTCAGA[G>A]ACTCCAAATCATTGACAATTCAGGTAACATTTTGCTTATTTTTCATCCCTGTAGATAATT-3'
Protein context (NP_001339683.2, residues 42-62): LCKTVGGSFR[Asp52Asn]SKSLTIQKDL

ClinVar aggregate classification (germline): Uncertain significance (1 of 4 stars; one submission).

Allele frequency attached by ClinVar (database versions not stated): gnomAD exomes below 0.00001.

Submission:

Labcorp Genetics (formerly Invitae), Labcorp
Classification: Uncertain significance. Last evaluated: 2022-02-19. Review status: criteria provided, single submitter. Criteria: Invitae Variant Classification Sherloc (09022015). Collection method: clinical testing. Allele origin: germline.
Comment: This variant is not present in population databases (gnomAD no frequency). In summary, the available evidence is currently insufficient to determine the role of this variant in disease. Therefore, it has been classified as a Variant of Uncertain Significance. Experimental studies and prediction algorithms are not available or were not evaluated, and the functional significance of this variant is currently unknown. This variant has not been reported in the literature in individuals affected with ARMC9-related conditions. This sequence change replaces aspartic acid, which is acidic and polar, with asparagine, which is neutral and polar, at codon 52 of the ARMC9 protein (p.Asp52Asn).